The following is an entry in ClinVar:

ClinVar aggregate classification (germline): Uncertain significance. Review status: criteria provided, multiple submitters, no conflicts (2 of 4 stars). 3 submissions from 3 submitters: Uncertain significance (3). Last evaluated 2025-07-02.

Conditions:
Hereditary cancer-predisposing syndrome. Also called: Hereditary neoplastic syndrome; Neoplastic Syndromes, Hereditary; Tumor predisposition; Hereditary Cancer Syndrome. Identifiers: Orphanet 140162, MedGen C0027672, MeSH D009386, MONDO:0015356.
Familial adenomatous polyposis 1 (FAP1). Also called: FAMILIAL ADENOMATOUS POLYPOSIS 1, ATTENUATED; POLYPOSIS, ADENOMATOUS INTESTINAL. Identifiers: MedGen C2713442, MONDO:0021056, OMIM 175100. Disease mechanism: loss of function.

Allele frequency attached by ClinVar (database versions not stated): gnomAD exomes below 0.00001; ExAC 0.00001.
gnomAD v4.1: 4 of 1,613,718 alleles (0.00025%); highest among the groups gnomAD compares: Non-Finnish European, 0.00034%; no homozygotes.

Submissions (3):

Ambry Genetics
Classification: Uncertain significance for Hereditary cancer-predisposing syndrome. Last evaluated: 2025-07-02. Review status: criteria provided, single submitter. Criteria: Ambry Variant Classification Scheme 2023. Collection method: clinical testing. Allele origin: germline.
Comment: The p.V2728G variant (also known as c.8183T>G), located in coding exon 15 of the APC gene, results from a T to G substitution at nucleotide position 8183. The valine at codon 2728 is replaced by glycine, an amino acid with dissimilar properties. This amino acid position is not well conserved in available vertebrate species. In addition, in silico predictors for this gene do not accurately predict pathogenicity. Missense alterations in APC are not a common cause of disease (Spier I et al. Genet Med. 2024 Feb;26(2):100992). Based on the available evidence, the clinical significance of this variant remains unclear.

Labcorp Genetics (formerly Invitae), Labcorp
Classification: Uncertain significance for Familial adenomatous polyposis 1. Last evaluated: 2024-04-30. Review status: criteria provided, single submitter. Criteria: Invitae Variant Classification Sherloc (09022015). Collection method: clinical testing. Allele origin: germline.
Comment: This sequence change replaces valine, which is neutral and non-polar, with glycine, which is neutral and non-polar, at codon 2728 of the APC protein (p.Val2728Gly). This variant is not present in population databases (gnomAD no frequency). This variant has not been reported in the literature in individuals affected with APC-related conditions. ClinVar contains an entry for this variant (Variation ID: 941398). Advanced modeling of protein sequence and biophysical properties (such as structural, functional, and spatial information, amino acid conservation, physicochemical variation, residue mobility, and thermodynamic stability) performed at Invitae indicates that this missense variant is not expected to disrupt APC protein function with a negative predictive value of 95%. In summary, the available evidence is currently insufficient to determine the role of this variant in disease. Therefore, it has been classified as a Variant of Uncertain Significance.

Laboratorio de Genetica e Diagnostico Molecular, Hospital Israelita Albert Einstein
Classification: Uncertain significance for Familial adenomatous polyposis 1. Last evaluated: 2022-09-23. Review status: criteria provided, single submitter. Criteria: ACMG Guidelines, 2015. Collection method: clinical testing. Allele origin: germline. Affected: yes. Observed: 1 variant allele.
Comment: ACMG classification criteria: PM2 supporting

NM_000038.6(APC):c.8183T>G (p.Val2728Gly)

Gene: APC (APC regulator of Wnt signaling pathway; plus strand). Cytogenetic location: 5q22.2.
Variant type: single nucleotide variant.
Coding change: c.8183T>G on transcript NM_000038.6 (MANE Select); coding-DNA position 8183, T replaced by G.
Protein change: p.Val2728Gly; replaces valine 2728 with glycine.
Molecular consequence: missense variant.
Genome position (GRCh38, 1-based): chr5:112,843,777, T>G. VCF-style: chr5-112843777-T-G. GRCh37 (hg19) VCF-style: chr5-112179474-T-G.
Other names: c.8183T>G, p.Val2728Gly (NM_001127510.3, NM_001354895.2); c.8129T>G, p.Val2710Gly (NM_001127511.3); c.8237T>G, p.Val2746Gly (NM_001354896.2); c.8213T>G, p.Val2738Gly (NM_001354897.2); c.8108T>G, p.Val2703Gly (NM_001354898.2); c.8099T>G, p.Val2700Gly (NM_001354899.2); c.8060T>G, p.Val2687Gly (NM_001354900.2); c.8006T>G, p.Val2669Gly (NM_001354901.2); and 5 more; short protein forms V2687G, V2746G, V2568G, V2703G, V2710G, V2445G, V2602G, V2637G.
Identifiers: ClinVar variation 941398 (VCV000941398.15), dbSNP rs748952997, ClinGen allele CA050131.